The following is an entry in ClinVar:

ClinVar aggregate classification (germline): Pathogenic. Review status: criteria provided, multiple submitters, no conflicts (2 of 4 stars). 6 submissions from 6 submitters: Pathogenic (6). Last evaluated 2025-12-03.

Conditions:
Familial hypokalemia-hypomagnesemia (GTLMNS). Also called: gitelman syndrome; HYPOMAGNESEMIA-HYPOKALEMIA, PRIMARY RENOTUBULAR, WITH HYPOCALCIURIA; POTASSIUM AND MAGNESIUM DEPLETION. Identifiers: Orphanet 358, MedGen C0268450, MONDO:0009904, OMIM 263800.
SLC12A3-related disorder. Also called: SLC12A3-related condition.

Submissions (6):

Variantyx, Inc.
Classification: Pathogenic for Familial hypokalemia-hypomagnesemia. Last evaluated: 2025-12-03. Review status: criteria provided, single submitter. Criteria: Variantyx Assertion Criteria 2022. Collection method: clinical testing. Allele origin: germline. Inheritance: Autosomal recessive inheritance. Affected: yes.
Comment: This is an intronic variant in the SLC12A3 gene (OMIM: 600968). Pathogenic variants in this gene have been associated with autosomal recessive Gitelman syndrome. This variant introduces a cryptic splice site in intron 21, which results in multiple splice variants that either introduce a premature termination codon, or result in an elongated protein (PMID: 21051746, 36302598), expected to result in loss of function, which is a known disease mechanism for SLC12A3 in this disorder (PMID: 30596175, 36302598) (PVS1). Algorithms that predict the potential impact of sequence variants on RNA splicing suggest that this variant has conflicting evidence regarding the effect on splicing. Based on the current evidence, this variant is classified as pathogenic for autosomal recessive Gitelman syndrome.

Natera, Inc.
Classification: Pathogenic for Gitelman syndrome. Last evaluated: 2025-10-14. Review status: criteria provided, single submitter. Criteria: Natera Variant Classification Schema (03/2026). Collection method: clinical testing. Allele origin: germline.
Comment: The c.2548+253C>T variant in SLC12A3 is an intronic variant located outside the canonical splice sites. This variant is rare in the general population with a frequency below the threshold expected for the associated phenotype(s). This variant has been observed in one or more individuals affected with the associated recessive disease, as either homozygous or compound heterozygous with a second variant (PMID: 21051746). Given the available evidence, this variant is classified as Pathogenic.

Labcorp Genetics (formerly Invitae), Labcorp
Classification: Pathogenic. Last evaluated: 2024-12-06. Review status: criteria provided, single submitter. Criteria: Invitae Variant Classification Sherloc (09022015). Collection method: clinical testing. Allele origin: germline.
Comment: This sequence change falls in intron 21 of the SLC12A3 gene. It does not directly change the encoded amino acid sequence of the SLC12A3 protein. This variant is not present in population databases (gnomAD no frequency). This variant has been observed in individuals with Gitelman syndrome (PMID: 21051746, 30596175). It has also been observed to segregate with disease in related individuals. ClinVar contains an entry for this variant (Variation ID: 1446379). Algorithms developed to predict the effect of sequence changes on RNA splicing suggest that this variant may create or strengthen a splice site. For these reasons, this variant has been classified as Pathogenic.

Blueprint Genetics
Classification: Pathogenic for SLC12A3-related disorders. Last evaluated: 2023-04-04. Review status: criteria provided, single submitter. Criteria: ACMG Guidelines, 2015. Collection method: clinical testing. Allele origin: germline. Affected: yes. Observed: 1 variant allele.

GeneDx
Classification: Pathogenic. Last evaluated: 2020-12-14. Review status: criteria provided, single submitter. Criteria: GeneDx Variant Classification Process June 2021. Collection method: clinical testing. Allele origin: germline. Affected: yes.
Comment: Non-canonical splice site variant demonstrated to result in loss-of-function (Lo et al., 2011); In silico analysis supports that this variant does not alter splicing; This variant is associated with the following publications: (PMID: 21051746, 27216017, 30596175)

Juno Genomics, Hangzhou Juno Genomics, Inc
Classification: Pathogenic for Familial hypokalemia-hypomagnesemia. Review status: criteria provided, single submitter. Criteria: ACMG Guidelines, 2015. Collection method: clinical testing. Allele origin: germline.
Comment: Absent from controls (or at extremely low frequency if recessive) in Genome Aggregation Database.;Null variant in a gene where loss of function (LOF) is a known mechanism of disease.;For recessive disorders, detected in trans with a pathogenic variant.

Literature cited by the submitters: PubMed 21051746 (cited by 3 submitters); PubMed 36302598 (cited by Variantyx, Inc.); PubMed 30596175 (cited by Variantyx, Inc. and Labcorp Genetics (formerly Invitae), Labcorp).

NM_001126108.2(SLC12A3):c.2521+253C>T

Gene: SLC12A3 (solute carrier family 12 member 3; plus strand). Cytogenetic location: 16q13.
Variant type: single nucleotide variant.
Coding change: c.2521+253C>T on transcript NM_001126108.2 (MANE Select); 253 bases into the intron after coding-DNA position 2521, C replaced by T.
Molecular consequence: intron variant.
Genome position (GRCh38, 1-based): chr16:56,893,307, C>T. VCF-style: chr16-56893307-C-T. GRCh37 (hg19) VCF-style: chr16-56927219-C-T.
Other names: c.2548+253C>T (NM_000339.3, NM_000339.2); c.2545+253C>T (NM_001126107.2).
Identifiers: ClinVar variation 1446379 (VCV001446379.12), dbSNP rs940322134, ClinGen allele CA2573152455.